The following is an entry in ClinVar:

NM_001365480.1(CCDC88A):c.3490G>C (p.Glu1164Gln)

Gene: CCDC88A (coiled-coil and HOOK domain protein 88A; minus strand). Cytogenetic location: 2p16.1.
Variant type: single nucleotide variant.
Coding change: c.3490G>C on transcript NM_001365480.1 (MANE Select); coding-DNA position 3490, G replaced by C.
Protein change: p.Glu1164Gln; replaces glutamic acid 1164 with glutamine.
Molecular consequence: missense variant.
Genome position (GRCh38, 1-based): chr2:55,317,676, C>G on the plus strand (G>C on the coding strand, the complement: CCDC88A is on the minus strand). VCF-style: chr2-55317676-C-G. GRCh37 (hg19) VCF-style: chr2-55544812-C-G.
Other names: c.3487G>C, p.Glu1163Gln (NM_001135597.2, NM_001254943.2); c.3490G>C, p.Glu1164Gln (NM_018084.5); short protein forms E1163Q, E1164Q.
Identifiers: ClinVar variation 2092325 (VCV002092325.3), dbSNP rs749510275, ClinGen allele CA1665754.

ClinVar aggregate classification (germline): Uncertain significance (1 of 4 stars; one submission).

Allele frequency attached by ClinVar (database versions not stated): gnomAD exomes 0.00001; ExAC 0.00002; TOPMed 0.00002.
gnomAD v4.1: 4 of 1,613,218 alleles (0.00025%); highest among the groups gnomAD compares: Admixed American, 0.0067%; no homozygotes.

Submission:

Labcorp Genetics (formerly Invitae), Labcorp
Classification: Uncertain significance. Last evaluated: 2024-10-23. Review status: criteria provided, single submitter. Criteria: Invitae Variant Classification Sherloc (09022015). Collection method: clinical testing. Allele origin: germline.
Comment: This sequence change replaces glutamic acid, which is acidic and polar, with glutamine, which is neutral and polar, at codon 1163 of the CCDC88A protein (p.Glu1163Gln). This variant is present in population databases (rs749510275, gnomAD 0.01%). This variant has not been reported in the literature in individuals affected with CCDC88A-related conditions. ClinVar contains an entry for this variant (Variation ID: 2092325). An algorithm developed to predict the effect of missense changes on protein structure and function (PolyPhen-2) suggests that this variant is likely to be tolerated. In summary, the available evidence is currently insufficient to determine the role of this variant in disease. Therefore, it has been classified as a Variant of Uncertain Significance.